The following is an entry in ClinVar:

NM_002878.4(RAD51D):c.585T>C (p.Gly195=)

Genes: RAD51D (RAD51 paralog D; minus strand), RAD51L3-RFFL (RAD51L3-RFFL readthrough; minus strand). Cytogenetic location: 17q12.
Variant type: single nucleotide variant.
Coding change: c.585T>C on transcript NM_002878.4 (MANE Select); coding-DNA position 585, T replaced by C.
Protein change: p.Gly195=; no amino-acid change (glycine 195 retained).
Molecular consequence: synonymous variant. On other transcripts: non-coding transcript variant (3).
Genome position (GRCh38, 1-based): chr17:35,103,536, A>G on the plus strand (T>C on the coding strand, the complement: RAD51D is on the minus strand). VCF-style: chr17-35103536-A-G. GRCh37 (hg19) VCF-style: chr17-33430555-A-G.
Other names: c.645T>C, p.Gly215= (NM_001142571.2); c.249T>C, p.Gly83= (NM_133629.3).
Identifiers: ClinVar variation 3903668 (VCV003903668.1).

ClinVar aggregate classification (germline): Benign (1 of 4 stars; one submission).

Conditions:
Breast-ovarian cancer, familial, susceptibility to, 4. Identifiers: Orphanet 145, MedGen C3280345, MONDO:0013669, OMIM 614291.

Submission:

Myriad Genetics, Inc.
Classification: Benign for Breast-ovarian cancer, familial, susceptibility to, 4. Last evaluated: 2025-02-24. Review status: criteria provided, single submitter. Criteria: Myriad Autosomal Dominant, Autosomal Recessive and X-Linked Classification Criteria (2023). Collection method: clinical testing. Allele origin: unknown.
Comment: This variant is considered benign. This variant is a silent/synonymous amino acid change and it is not expected to impact splicing.